The following is an entry in ClinVar:

ClinVar aggregate classification (germline): Uncertain significance (1 of 4 stars; one submission).

Conditions:
Nemaline myopathy 2 (NEM2). Also called: Nemaline myopathy 2, autosomal recessive. Identifiers: MedGen C1850569, MONDO:0009725, OMIM 256030.

Allele frequency attached by ClinVar (database versions not stated): ExAC 0.00001.
gnomAD v4.1: 2 of 1,613,792 alleles (0.00012%); highest among the groups gnomAD compares: Non-Finnish European, 0.00017%; no homozygotes.

Submission:

Labcorp Genetics (formerly Invitae), Labcorp
Classification: Uncertain significance for Nemaline myopathy 2. Last evaluated: 2019-12-13. Review status: criteria provided, single submitter. Criteria: Invitae Variant Classification Sherloc (09022015). Collection method: clinical testing. Allele origin: germline.
Comment: In summary, the available evidence is currently insufficient to determine the role of this variant in disease. Therefore, it has been classified as a Variant of Uncertain Significance. Algorithms developed to predict the effect of missense changes on protein structure and function are either unavailable or do not agree on the potential impact of this missense change (SIFT: "Deleterious"; PolyPhen-2: "Not Available"; Align-GVGD: "Class C0"). This variant has not been reported in the literature in individuals with NEB-related conditions. This variant is present in population databases (rs753865894, ExAC 0.002%). This sequence change replaces threonine with asparagine at codon 1871 of the NEB protein (p.Thr1871Asn). The threonine residue is moderately conserved and there is a small physicochemical difference between threonine and asparagine.

NM_001164508.2(NEB):c.5612C>A (p.Thr1871Asn)

Gene: NEB (nebulin; minus strand). Cytogenetic location: 2q23.3.
Variant type: single nucleotide variant.
Coding change: c.5612C>A on transcript NM_001164508.2 (MANE Select); coding-DNA position 5612, C replaced by A.
Protein change: p.Thr1871Asn; replaces threonine 1871 with asparagine.
Molecular consequence: missense variant.
Genome position (GRCh38, 1-based): chr2:151,663,699, G>T on the plus strand (C>A on the coding strand, the complement: NEB is on the minus strand). VCF-style: chr2-151663699-G-T. GRCh37 (hg19) VCF-style: chr2-152520213-G-T.
Other names: c.5612C>A, p.Thr1871Asn (NM_001164507.2, NM_001271208.2, NM_004543.5); short protein forms T1871N.
Identifiers: ClinVar variation 864483 (VCV000864483.10), dbSNP rs753865894, ClinGen allele CA1910332.